The following is an entry in ClinVar:

NC_000016.10:g.(?_2081585)_(2088620_?)dup

Gene: TSC2 (TSC complex subunit 2; plus strand). Cytogenetic location: 16p13.3.
Variant type: Duplication.
Identifiers: ClinVar variation 830769 (VCV000830769.2).

ClinVar aggregate classification (germline): Uncertain significance (1 of 4 stars; one submission).

Conditions:
Tuberous sclerosis 2 (TSC2). Identifiers: Orphanet 805, MedGen C1860707, MONDO:0013199, OMIM 613254.

Submission:

Labcorp Genetics (formerly Invitae), Labcorp
Classification: Uncertain significance for Tuberous sclerosis 2. Last evaluated: 2019-07-06. Review status: criteria provided, single submitter. Criteria: Invitae Variant Classification Sherloc (09022015). Collection method: clinical testing. Allele origin: germline.
Comment: This variant results in a copy number gain of the genomic region encompassing exons 31-42 of the TSC2 gene. The 5' boundary is likely confined to intron 30. The 3' end of this event is unknown as it extends beyond the assayed region for this gene and therefore may encompass additional genes. As the precise location of this event is unknown, it may be in tandem or it may be located elsewhere in the genome. This variant has not been reported in the literature in individuals with TSC2-related conditions. In summary, the available evidence is currently insufficient to determine the role of this variant in disease. Therefore, it has been classified as a Variant of Uncertain Significance.